The following is an entry in ClinVar:

NM_001165963.4(SCN1A):c.5225A>C (p.Asp1742Ala)

Genes: SCN1A (sodium voltage-gated channel alpha subunit 1; minus strand), LOC102724058 (uncharacterized LOC102724058; plus strand). Cytogenetic location: 2q24.3.
Variant type: single nucleotide variant.
Coding change: c.5225A>C on transcript NM_001165963.4 (MANE Select); coding-DNA position 5225, A replaced by C.
Protein change: p.Asp1742Ala; replaces aspartic acid 1742 with alanine.
Molecular consequence: missense variant. On other transcripts: non-coding transcript variant (1).
Genome position (GRCh38, 1-based): chr2:165,992,050, T>G on the plus strand (A>C on the coding strand, the complement: SCN1A is on the minus strand). VCF-style: chr2-165992050-T-G. GRCh37 (hg19) VCF-style: chr2-166848560-T-G.
Other names: c.5141A>C, p.Asp1714Ala (NM_001165964.3, NM_001353957.2, NM_001353958.2); c.5225A>C, p.Asp1742Ala (NM_001202435.3, NM_001353948.2); c.5192A>C, p.Asp1731Ala (NM_001353949.2, NM_001353950.2, NM_001353951.2 and 2 more transcripts); c.5189A>C, p.Asp1730Ala (NM_001353954.2, NM_001353955.2); c.5138A>C, p.Asp1713Ala (NM_001353960.2); c.2783A>C, p.Asp928Ala (NM_001353961.2); short protein forms D1713A, D928A, D1730A, D1731A, D1742A, D1714A.
Identifiers: ClinVar variation 664615 (VCV000664615.11), dbSNP rs121918812, ClinGen allele CA349068507.

ClinVar aggregate classification (germline): Likely pathogenic (1 of 4 stars; one submission).

Conditions:
Early-infantile DEE. Also called: Early infantile epileptic encephalopathy; Ohtahara syndrome; Early infantile epileptic encephalopathy with suppression bursts. Identifiers: Orphanet 1934, MedGen C0393706, MONDO:0800491.

Submission:

Labcorp Genetics (formerly Invitae), Labcorp
Classification: Likely pathogenic for Early-infantile DEE. Last evaluated: 2025-03-18. Review status: criteria provided, single submitter. Criteria: Invitae Variant Classification Sherloc (09022015). Collection method: clinical testing. Allele origin: germline.
Comment: This sequence change replaces aspartic acid, which is acidic and polar, with alanine, which is neutral and non-polar, at codon 1742 of the SCN1A protein (p.Asp1742Ala). This variant is not present in population databases (gnomAD no frequency). This variant has not been reported in the literature in individuals affected with SCN1A-related conditions. ClinVar contains an entry for this variant (Variation ID: 664615). Invitae Evidence Modeling of protein sequence and biophysical properties (such as structural, functional, and spatial information, amino acid conservation, physicochemical variation, residue mobility, and thermodynamic stability) indicates that this missense variant is expected to disrupt SCN1A protein function with a positive predictive value of 95%. This variant disrupts the p.Asp1742 amino acid residue in SCN1A. Other variant(s) that disrupt this residue have been determined to be pathogenic (PMID: 15694566). This suggests that this residue is clinically significant, and that variants that disrupt this residue are likely to be disease-causing. In summary, the currently available evidence indicates that the variant is pathogenic, but additional data are needed to prove that conclusively. Therefore, this variant has been classified as Likely Pathogenic.

Literature cited by the submitters: PubMed 15694566.